The following is an entry in ClinVar:

ClinVar aggregate classification (germline): Uncertain significance (1 of 4 stars; one submission).

Conditions:
Amyotrophic lateral sclerosis type 1 (ALS1). Also called: AMYOTROPHIC LATERAL SCLEROSIS 1, FAMILIAL. Identifiers: Orphanet 803, MedGen C1862939, MONDO:0007103, OMIM 105400.
Neuronopathy, distal hereditary motor, type 7B. Also called: NEURONOPATHY, DISTAL HEREDITARY MOTOR, AUTOSOMAL DOMINANT 14; NEURONOPATHY, DISTAL HEREDITARY MOTOR, HARDING TYPE VIIB; NEUROPATHY, DISTAL HEREDITARY MOTOR, HARDING TYPE VIIB; NEUROPATHY, DISTAL HEREDITARY MOTOR, WITH VOCAL CORD PARALYSIS, HARDING TYPE VIIB; HMN VIIB; LOWER MOTOR NEURON DISEASE, DYNACTIN TYPE. Identifiers: Orphanet 139589, MedGen C1843315, MONDO:0011879, OMIM 607641.
Perry syndrome. Also called: PARKINSONISM WITH ALVEOLAR HYPOVENTILATION AND MENTAL DEPRESSION. Identifiers: Orphanet 178509, MedGen C1868594, MONDO:0008201, OMIM 168605.

gnomAD v4.1: 4 of 1,614,106 alleles (0.00025%); highest among the groups gnomAD compares: Non-Finnish European, 0.00025%; no homozygotes.

Submission:

Labcorp Genetics (formerly Invitae), Labcorp
Classification: Uncertain significance for Amyotrophic lateral sclerosis type 1; Neuronopathy, distal hereditary motor, type 7B; Perry syndrome. Last evaluated: 2025-06-15. Review status: criteria provided, single submitter. Criteria: Invitae Variant Classification Sherloc (09022015). Collection method: clinical testing. Allele origin: germline.
Comment: This sequence change replaces arginine, which is basic and polar, with tryptophan, which is neutral and slightly polar, at codon 238 of the DCTN1 protein (p.Arg238Trp). This variant is not present in population databases (gnomAD no frequency). This missense change has been observed in individual(s) with DCTN1-related conditions (PMID: 23143281). Invitae Evidence Modeling of protein sequence and biophysical properties (such as structural, functional, and spatial information, amino acid conservation, physicochemical variation, residue mobility, and thermodynamic stability) has been performed for this missense variant. However, the output from this modeling did not meet the statistical confidence thresholds required to predict the impact of this variant on DCTN1 protein function. Experimental studies have shown that this missense change does not substantially affect DCTN1 function (PMID: 23143281). In summary, the available evidence is currently insufficient to determine the role of this variant in disease. Therefore, it has been classified as a Variant of Uncertain Significance.

Literature cited by the submitters: PubMed 23143281.

NM_004082.5(DCTN1):c.712C>T (p.Arg238Trp)

Gene: DCTN1 (dynactin subunit 1; minus strand). Cytogenetic location: 2p13.1.
Variant type: single nucleotide variant.
Coding change: c.712C>T on transcript NM_004082.5 (MANE Select); coding-DNA position 712, C replaced by T.
Protein change: p.Arg238Trp; replaces arginine 238 with tryptophan.
Molecular consequence: missense variant. On other transcripts: non-coding transcript variant (1).
Genome position (GRCh38, 1-based): chr2:74,371,110, G>A on the plus strand (C>T on the coding strand, the complement: DCTN1 is on the minus strand). VCF-style: chr2-74371110-G-A. GRCh37 (hg19) VCF-style: chr2-74598237-G-A.
Other names: c.652C>T, p.Arg218Trp (NM_001135040.3); c.310C>T, p.Arg104Trp (NM_001135041.3, NM_023019.4); c.601C>T, p.Arg201Trp (NM_001190836.2); c.691C>T, p.Arg231Trp (NM_001190837.2); c.661C>T, p.Arg221Trp (NM_001378991.1); c.643C>T, p.Arg215Trp (NM_001378992.1); short protein forms R215W, R231W, R104W, R221W, R238W, R218W, R201W.
Identifiers: ClinVar variation 4794682 (VCV004794682.1).